The following is an entry in ClinVar:

NM_001370466.1(NOD2):c.1434del (p.Ser479fs)

Gene: NOD2 (nucleotide binding oligomerization domain containing 2; plus strand). Cytogenetic location: 16q12.1.
Variant type: Deletion.
Coding change: c.1434del on transcript NM_001370466.1 (MANE Select); coding-DNA position 1434, one base deleted (G; older notation c.1434delG).
Protein change: p.Ser479fs; shifts the reading frame from serine 479.
Molecular consequence: frameshift variant. On other transcripts: non-coding transcript variant (1).
Genome position (GRCh38, 1-based): chr16:50,711,426, G deleted; the last of 7 consecutive G bases (chr16:50,711,420-50,711,426); deleting any one gives the same sequence. VCF-style (leftmost placement, unchanged base first): chr16-50711419-AG-A. GRCh37 (hg19) VCF-style: chr16-50745330-AG-A.
Other names: c.1434del, p.Ser479fs (NM_001293557.2); c.1515del, p.Ser506fs (NM_022162.3); short protein forms S479fs, S506fs.
Identifiers: ClinVar variation 570310 (VCV000570310.16), dbSNP rs754761524, ClinGen allele CA8051556.

ClinVar aggregate classification (germline): Uncertain significance. Review status: criteria provided, multiple submitters, no conflicts (2 of 4 stars). 4 submissions from 4 submitters: Uncertain significance (4). Last evaluated 2026-06-01.

Conditions:
NOD2-related disorder. Also called: NOD2-related condition.
Autoinflammatory syndrome. Identifiers: Orphanet 93665, MedGen C3890737, MONDO:0019751.
Regional enteritis. Also called: Enteritis, Granulomatous. Identifiers: MedGen C0678202, MeSH D003424.
Blau syndrome (BLAUS). Also called: ARTHROCUTANEOUVEAL GRANULOMATOSIS; JABS SYNDROME; GRANULOMATOSIS, FAMILIAL JUVENILE SYSTEMIC; GRANULOMATOSIS, FAMILIAL, BLAU TYPE; GRANULOMATOUS INFLAMMATORY ARTHRITIS, DERMATITIS, AND UVEITIS, FAMILIAL. Identifiers: Orphanet 90340, MedGen C5201146, MONDO:0008523, OMIM 186580.

Submissions (4):

CeGaT Center for Human Genetics Tuebingen
Classification: Uncertain significance. Last evaluated: 2026-06-01. Review status: criteria provided, single submitter. Criteria: CeGaT Center For Human Genetics Tuebingen Variant Classification Criteria Version 2. Collection method: clinical testing. Allele origin: germline. Affected: yes. Observed: 1 variant allele.

Labcorp Genetics (formerly Invitae), Labcorp
Classification: Uncertain significance for Regional enteritis; Blau syndrome. Last evaluated: 2026-01-26. Review status: criteria provided, single submitter. Criteria: Invitae Variant Classification Sherloc (09022015). Collection method: clinical testing. Allele origin: germline.
Comment: This sequence change creates a premature translational stop signal (p.Ser506Profs*11) in the NOD2 gene. It is expected to result in an absent or disrupted protein product. However, the current clinical and genetic evidence is not sufficient to establish whether loss-of-function variants in NOD2 cause disease. This variant is present in population databases (rs767278572, gnomAD 0.04%), and has an allele count higher than expected for a pathogenic variant. This variant has not been reported in the literature in individuals affected with NOD2-related conditions. ClinVar contains an entry for this variant (Variation ID: 570310). In summary, the available evidence is currently insufficient to determine the role of this variant in disease. Therefore, it has been classified as a Variant of Uncertain Significance.

PreventionGenetics, part of Exact Sciences
Classification: Uncertain significance for NOD2-related condition. Last evaluated: 2025-02-26. Review status: criteria provided, single submitter. Criteria: ACMG Guidelines, 2015. Collection method: clinical testing. Allele origin: germline.
Comment: The NOD2 c.1515delG variant is predicted to result in a frameshift and premature protein termination (p.Ser506Profs*11). This variant has been reported in a cohort study with retinal and optical nerve disease (Table S12, Diñeiro et al. 2020. PubMed ID: 32483926). This variant is reported in 0.042% of alleles in individuals of Latino descent in gnomAD. At this time, the clinical significance of this variant is uncertain due to the absence of conclusive functional and genetic evidence.

Genome Diagnostics Laboratory, The Hospital for Sick Children
Classification: Uncertain significance for Autoinflammatory syndrome. Last evaluated: 2016-12-12. Review status: criteria provided, single submitter. Criteria: ACMG Guidelines, 2015. Collection method: clinical testing. Allele origin: germline. Affected: yes.